The following is an entry in ClinVar:

NM_001042681.2(RERE):c.4305C>G (p.His1435Gln)

Gene: RERE (arginine-glutamic acid dipeptide repeats; minus strand). Cytogenetic location: 1p36.23.
Variant type: single nucleotide variant.
Coding change: c.4305C>G on transcript NM_001042681.2 (MANE Select); coding-DNA position 4305, C replaced by G.
Protein change: p.His1435Gln; replaces histidine 1435 with glutamine.
Molecular consequence: missense variant.
Genome position (GRCh38, 1-based): chr1:8,358,230, G>C on the plus strand (C>G on the coding strand, the complement: RERE is on the minus strand). VCF-style: chr1-8358230-G-C. GRCh37 (hg19) VCF-style: chr1-8418290-G-C.
Other names: c.2643C>G, p.His881Gln (NM_001042682.2); c.4305C>G, p.His1435Gln (NM_012102.4); short protein forms H1435Q, H881Q.
Identifiers: ClinVar variation 545041 (VCV000545041.3), dbSNP rs751232315, ClinGen allele CA338168780.

ClinVar aggregate classification (germline): Pathogenic. Review status: criteria provided, single submitter (1 of 4 stars). 2 submissions from 2 submitters: Pathogenic (1). 1 of the submissions does not count toward it. Last evaluated 2022-10-21.

Submissions (2):

GeneDx
Classification: Pathogenic. Last evaluated: 2022-10-21. Review status: criteria provided, single submitter. Criteria: GeneDx Variant Classification Process June 2021. Collection method: clinical testing. Allele origin: germline. Affected: yes.
Comment: Not observed at significant frequency in large population cohorts (gnomAD); In silico analysis supports that this missense variant has a deleterious effect on protein structure/function; Has not been previously published as pathogenic or benign to our knowledge

Laboratory of Molecular Genetics (Pr. Bezieau's lab), CHU de Nantes
Classification: Likely pathogenic. Last evaluated: 2016-10-05. Review status: no assertion criteria provided. Collection method: clinical testing. Allele origin: germline. Affected: yes. Not counted in ClinVar's aggregate classification.